The following is an entry in ClinVar:

ClinVar aggregate classification (germline): Pathogenic/Likely pathogenic. Review status: criteria provided, multiple submitters, no conflicts (2 of 4 stars). 7 submissions from 7 submitters: Pathogenic (2); Likely pathogenic (5). Last evaluated 2026-02-19.

Conditions:
IFT172-related disorder. Also called: IFT172-related condition; IFT172-related disorders.
Bardet-Biedl syndrome 20. Identifiers: MedGen C4310707, MONDO:0023670, OMIM 619471, MONDO:0014926.
Short-rib thoracic dysplasia 10 with or without polydactyly (SRTD10). Identifiers: Orphanet 474, MedGen C3810175, MONDO:0014284, OMIM 615630.
Retinitis pigmentosa 71 (RP71). Identifiers: Orphanet 791, MedGen C4225342, MONDO:0014618, OMIM 616394.

Allele frequency attached by ClinVar (database versions not stated): gnomAD 0.00004; TOPMed 0.00004; ESP Exome Variant Server 0.00015.

Submissions (7):

PreventionGenetics, part of Exact Sciences
Classification: Likely pathogenic for IFT172-related condition. Last evaluated: 2026-02-19. Review status: criteria provided, single submitter. Criteria: ACMG Guidelines, 2015. Collection method: clinical testing. Allele origin: germline.
Comment: The IFT172 c.112C>T variant is predicted to result in premature protein termination (p.Arg38*). This variant has been reported, along with another IFT172 variant, in an individual with chronic kidney disease (Sakakibara et al. 2022. PubMed ID: 35140360). This variant is reported in 0.0053% of alleles in individuals of European (Non-Finnish) descent in gnomAD. Nonsense variants in IFT172 are expected to be pathogenic. This variant is interpreted as likely pathogenic.

Labcorp Genetics (formerly Invitae), Labcorp
Classification: Pathogenic for Retinitis pigmentosa 71; Short-rib thoracic dysplasia 10 with or without polydactyly. Last evaluated: 2025-07-14. Review status: criteria provided, single submitter. Criteria: Invitae Variant Classification Sherloc (09022015). Collection method: clinical testing. Allele origin: germline.
Comment: This sequence change creates a premature translational stop signal (p.Arg38*) in the IFT172 gene. It is expected to result in an absent or disrupted protein product. Loss-of-function variants in IFT172 are known to be pathogenic (PMID: 24140113). This variant is present in population databases (rs139021548, gnomAD 0.006%). This variant has not been reported in the literature in individuals affected with IFT172-related conditions. ClinVar contains an entry for this variant (Variation ID: 208589). For these reasons, this variant has been classified as Pathogenic.

Fulgent Genetics
Classification: Pathogenic for Short-rib thoracic dysplasia 10 with or without polydactyly; Retinitis pigmentosa 71; Bardet-Biedl syndrome 20. Last evaluated: 2024-06-19. Review status: criteria provided, single submitter. Criteria: ACMG Guidelines, 2015. Collection method: clinical testing. Allele origin: germline.

Blueprint Genetics
Classification: Likely pathogenic for IFT172-related disorders. Last evaluated: 2023-08-14. Review status: criteria provided, single submitter. Criteria: ACMG Guidelines, 2015. Collection method: clinical testing. Allele origin: germline. Affected: yes. Observed: 2 variant alleles.

Revvity Omics, Revvity
Classification: Likely pathogenic. Last evaluated: 2023-02-17. Review status: criteria provided, single submitter. Criteria: ACMG Guidelines, 2015. Collection method: clinical testing. Allele origin: germline.

Clinical Genetics Laboratory, Skane University Hospital Lund
Classification: Likely pathogenic. Last evaluated: 2022-07-13. Review status: criteria provided, single submitter. Criteria: ACMG Guidelines, 2015. Collection method: clinical testing. Allele origin: germline. Affected: yes.

Laboratory for Molecular Medicine, Mass General Brigham Personalized Medicine
Classification: Likely pathogenic for Short-rib thoracic dysplasia 10 with or without polydactyly. Last evaluated: 2015-03-10. Review status: criteria provided, single submitter. Criteria: LMM Criteria. Collection method: clinical testing. Allele origin: germline. Inheritance: Autosomal recessive inheritance. Observed: 1 variant allele. Study: CSER-MedSeq.
Comment: The p.Arg38X variant in IFT172 has not been previously reported in individuals with disease. This variant has been identified in 0.01% (4/67682) of European chromosomes by the Exome Aggregation Consortium (ExAC; dbSNP rs139021548). This nonsense variant leads to a premature termination codon at position 38 which is predicted to lead to a truncated or absent protein. Homozygous or compound heterozygous mutation in the IFT172 gene has been shown to cause short-rib thoracic dysplasia with or without polydactyly. In summary, although additional studies are required to fully establish its clinical significance, the p.Arg38X variant is likely pathogenic.

Literature cited by the submitters: PubMed 24140113 (cited by Labcorp Genetics (formerly Invitae), Labcorp).

NM_015662.3(IFT172):c.112C>T (p.Arg38Ter)

Gene: IFT172 (intraflagellar transport 172; minus strand). Cytogenetic location: 2p23.3.
Variant type: single nucleotide variant.
Coding change: c.112C>T on transcript NM_015662.3 (MANE Select); coding-DNA position 112, C replaced by T.
Protein change: p.Arg38Ter; replaces arginine 38 with a stop codon.
Molecular consequence: nonsense.
Genome position (GRCh38, 1-based): chr2:27,485,431, G>A on the plus strand (C>T on the coding strand, the complement: IFT172 is on the minus strand). VCF-style: chr2-27485431-G-A. GRCh37 (hg19) VCF-style: chr2-27708298-G-A.
Other names: c.112C>T (NM_015662.2); short protein forms R38*.
Identifiers: ClinVar variation 208589 (VCV000208589.16), dbSNP rs139021548, ClinGen allele CA204566.
Genomic context (GRCh38, chr2:27,485,431, plus strand): 5'-CTGGTTTGGTGGAGAATTTATCTCTCCGTTCTCCATGTTCATCATACAGCAAGACCACTC[G>A]GTCCACTGTGCAGACAGCAAATTTGGCATTGTTCTGGGACCAAGCCATGCAGGTCACCTT-3'